The following is an entry in ClinVar:

ClinVar aggregate classification (germline): Uncertain significance. Review status: criteria provided, single submitter (1 of 4 stars). 2 submissions from 2 submitters: Uncertain significance (1). 1 of the submissions does not count toward it. Last evaluated 2024-07-05.

Conditions:
DZIP1L-related disorder. Also called: DZIP1L-related condition.
Inborn genetic diseases. Identifiers: MedGen C0950123, MeSH D030342.

Allele frequency attached by ClinVar (database versions not stated): TOPMed 0.00002; ExAC 0.00003; gnomAD 0.00003; gnomAD exomes 0.00006.
gnomAD v4.1: 86 of 1,613,982 alleles (0.0053%); highest among the groups gnomAD compares: Admixed American, 0.0083%; 1 homozygote.

Submissions (2):

Ambry Genetics
Classification: Uncertain significance for Inborn genetic diseases. Last evaluated: 2024-07-05. Review status: criteria provided, single submitter. Criteria: Ambry Variant Classification Scheme 2023. Collection method: clinical testing. Allele origin: germline.

PreventionGenetics, part of Exact Sciences
Classification: Uncertain significance for DZIP1L-related condition. Last evaluated: 2024-02-20. Review status: no assertion criteria provided. Collection method: clinical testing. Allele origin: germline. Not counted in ClinVar's aggregate classification.
Comment: The DZIP1L c.1483C>T variant is predicted to result in the amino acid substitution p.Arg495Trp. To our knowledge, this variant has not been reported in the literature. This variant is reported in 0.011% of alleles in individuals of East Asian descent in gnomAD. At this time, the clinical significance of this variant is uncertain due to the absence of conclusive functional and genetic evidence.

NM_173543.3(DZIP1L):c.1483C>T (p.Arg495Trp)

Gene: DZIP1L (DAZ interacting zinc finger protein 1 like; minus strand). Cytogenetic location: 3q22.3.
Variant type: single nucleotide variant.
Coding change: c.1483C>T on transcript NM_173543.3 (MANE Select); coding-DNA position 1483, C replaced by T.
Protein change: p.Arg495Trp; replaces arginine 495 with tryptophan.
Molecular consequence: missense variant.
Genome position (GRCh38, 1-based): chr3:138,071,775, G>A on the plus strand (C>T on the coding strand, the complement: DZIP1L is on the minus strand). VCF-style: chr3-138071775-G-A. GRCh37 (hg19) VCF-style: chr3-137790617-G-A.
Other names: c.1483C>T, p.Arg495Trp (NM_001170538.1); short protein forms R495W.
Identifiers: ClinVar variation 3030429 (VCV003030429.3), dbSNP rs753058491, ClinGen allele CA2634900.